The following is an entry in ClinVar:

ClinVar aggregate classification (germline): Uncertain significance (1 of 4 stars; one submission).

Allele frequency attached by ClinVar (database versions not stated): gnomAD exomes 0.00002; ExAC 0.00005; gnomAD 0.00005; ESP Exome Variant Server 0.00008; 1000 Genomes Project 30x 0.00016; 1000 Genomes Project 0.00020.
gnomAD v4.1: 30 of 1,613,040 alleles (0.0019%); highest among the groups gnomAD compares: Middle Eastern, 0.033%; no homozygotes.

Submission:

Labcorp Genetics (formerly Invitae), Labcorp
Classification: Uncertain significance. Last evaluated: 2023-04-28. Review status: criteria provided, single submitter. Criteria: Invitae Variant Classification Sherloc (09022015). Collection method: clinical testing. Allele origin: germline.
Comment: This variant has not been reported in the literature in individuals affected with DLL4-related conditions. In summary, the available evidence is currently insufficient to determine the role of this variant in disease. Therefore, it has been classified as a Variant of Uncertain Significance. Advanced modeling of protein sequence and biophysical properties (such as structural, functional, and spatial information, amino acid conservation, physicochemical variation, residue mobility, and thermodynamic stability) performed at Invitae indicates that this missense variant is not expected to disrupt DLL4 protein function. This variant is present in population databases (rs369058138, gnomAD 0.03%). This sequence change replaces glycine, which is neutral and non-polar, with serine, which is neutral and polar, at codon 563 of the DLL4 protein (p.Gly563Ser).

NM_019074.4(DLL4):c.1687G>A (p.Gly563Ser)

Gene: DLL4 (delta like canonical Notch ligand 4; plus strand). Cytogenetic location: 15q15.1.
Variant type: single nucleotide variant.
Coding change: c.1687G>A on transcript NM_019074.4 (MANE Select); coding-DNA position 1687, G replaced by A.
Protein change: p.Gly563Ser; replaces glycine 563 with serine.
Molecular consequence: missense variant.
Genome position (GRCh38, 1-based): chr15:40,936,674, G>A. VCF-style: chr15-40936674-G-A. GRCh37 (hg19) VCF-style: chr15-41228872-G-A.
Other names: short protein forms G563S.
Identifiers: ClinVar variation 2885864 (VCV002885864.3), dbSNP rs369058138, ClinGen allele CA7487982.